The following is an entry in ClinVar:

ClinVar aggregate classification (germline): Uncertain significance (1 of 4 stars; one submission).

Allele frequency attached by ClinVar (database versions not stated): gnomAD exomes 0.00003 and 0.00006; gnomAD 0.00004 and 0.00005; ExAC 0.00006; 1000 Genomes Project 30x 0.00016; 1000 Genomes Project 0.00020.
gnomAD v4.1: 52 of 1,613,060 alleles (0.0032%); highest among the groups gnomAD compares: East Asian, 0.0022%; no homozygotes.

Submission:

Labcorp Genetics (formerly Invitae), Labcorp
Classification: Uncertain significance. Last evaluated: 2022-03-31. Review status: criteria provided, single submitter. Criteria: Invitae Variant Classification Sherloc (09022015). Collection method: clinical testing. Allele origin: germline.
Comment: This sequence change replaces arginine, which is basic and polar, with glutamine, which is neutral and polar, at codon 30 of the C8A protein (p.Arg30Gln). This variant is present in population databases (rs201955480, gnomAD 0.1%). This variant has not been reported in the literature in individuals affected with C8A-related conditions. Algorithms developed to predict the effect of missense changes on protein structure and function are either unavailable or do not agree on the potential impact of this missense change (SIFT: "Deleterious"; PolyPhen-2: "Benign"; Align-GVGD: "Class C35"). In summary, the available evidence is currently insufficient to determine the role of this variant in disease. Therefore, it has been classified as a Variant of Uncertain Significance.

NM_000562.3(C8A):c.89G>A (p.Arg30Gln)

Gene: C8A (complement C8 alpha chain; plus strand). Cytogenetic location: 1p32.2.
Variant type: single nucleotide variant.
Coding change: c.89G>A on transcript NM_000562.3 (MANE Select); coding-DNA position 89, G replaced by A.
Protein change: p.Arg30Gln; replaces arginine 30 with glutamine.
Molecular consequence: missense variant.
Genome position (GRCh38, 1-based): chr1:56,867,620, G>A. VCF-style: chr1-56867620-G-A. GRCh37 (hg19) VCF-style: chr1-57333293-G-A.
Other names: short protein forms R30Q.
Identifiers: ClinVar variation 1418020 (VCV001418020.3), dbSNP rs201955480, ClinGen allele CA874912.